The following is an entry in ClinVar:

NM_058246.4(DNAJB6):c.608T>C (p.Ile203Thr)

Gene: DNAJB6 (DnaJ heat shock protein family (Hsp40) member B6; plus strand). Cytogenetic location: 7q36.3.
Variant type: single nucleotide variant.
Coding change: c.608T>C on transcript NM_058246.4 (MANE Select); coding-DNA position 608, T replaced by C.
Protein change: p.Ile203Thr; replaces isoleucine 203 with threonine.
Molecular consequence: missense variant. On other transcripts: intron variant (1).
Genome position (GRCh38, 1-based): chr7:157,384,996, T>C. VCF-style: chr7-157384996-T-C. GRCh37 (hg19) VCF-style: chr7-157177690-T-C.
Other names: c.608T>C, p.Ile203Thr (NM_005494.3); c.346+17513T>C (NM_001363676.1); short protein forms I203T.
Identifiers: ClinVar variation 635043 (VCV000635043.6), dbSNP rs781071853, ClinGen allele CA4590566.

ClinVar aggregate classification (germline): Uncertain significance. Review status: criteria provided, multiple submitters, no conflicts (2 of 4 stars). 3 submissions from 3 submitters: Uncertain significance (3). Last evaluated 2025-09-10.

Conditions:
Autosomal dominant limb-girdle muscular dystrophy type 1D (DNAJB6) (LGMDD1). Also called: Autosomal dominant limb-girdle muscular dystrophy type 1D; MUSCULAR DYSTROPHY, LIMB-GIRDLE, TYPE 1D; Muscular dystrophy, limb-girdle, autosomal dominant 1; MUSCULAR DYSTROPHY, AUTOSOMAL DOMINANT, WITH RIMMED VACUOLES. Identifiers: Orphanet 34516, MedGen C4721885, MONDO:0021018, OMIM 603511.

Allele frequency attached by ClinVar (database versions not stated): ExAC 0.00001; gnomAD 0.00001; gnomAD exomes 0.00001 and 0.00003; TOPMed 0.00001.
gnomAD v4.1: 42 of 1,613,960 alleles (0.0026%); highest among the groups gnomAD compares: Non-Finnish European, 0.0034%; no homozygotes.

Submissions (3):

Labcorp Genetics (formerly Invitae), Labcorp
Classification: Uncertain significance for Autosomal dominant limb-girdle muscular dystrophy type 1D (DNAJB6). Last evaluated: 2025-09-10. Review status: criteria provided, single submitter. Criteria: Invitae Variant Classification Sherloc (09022015). Collection method: clinical testing. Allele origin: germline.
Comment: This sequence change replaces isoleucine, which is neutral and non-polar, with threonine, which is neutral and polar, at codon 203 of the DNAJB6 protein (p.Ile203Thr). This variant is present in population databases (rs781071853, gnomAD 0.002%). This missense change has been observed in individual(s) with clinical features of DNAJB6-related conditions (PMID: 32528171). ClinVar contains an entry for this variant (Variation ID: 635043). Invitae Evidence Modeling of protein sequence and biophysical properties (such as structural, functional, and spatial information, amino acid conservation, physicochemical variation, residue mobility, and thermodynamic stability) indicates that this missense variant is not expected to disrupt DNAJB6 protein function with a negative predictive value of 80%. In summary, the available evidence is currently insufficient to determine the role of this variant in disease. Therefore, it has been classified as a Variant of Uncertain Significance.

Revvity Omics, Revvity
Classification: Uncertain significance for Autosomal dominant limb-girdle muscular dystrophy type 1D (DNAJB6). Last evaluated: 2023-06-27. Review status: criteria provided, single submitter. Criteria: ACMG Guidelines, 2015. Collection method: clinical testing. Allele origin: germline.

Broad Center for Mendelian Genomics, Broad Institute of MIT and Harvard
Classification: Uncertain significance for Autosomal dominant limb-girdle muscular dystrophy type 1D (DNAJB6). Last evaluated: 2018-06-15. Review status: criteria provided, single submitter. Criteria: ACMG Guidelines, 2015. Collection method: research. Allele origin: germline. Inheritance: Autosomal dominant inheritance. Affected: yes.
Comment: Trio exome analysis showed this variant to be de novo. This variant has been identified in <0.01% (2/111642) of European (Non-Finnish) chromosomes by the Genome Aggregation Database (gnomAD; dbSNP rs143197357). However, given that the age of onset for this disease is variable and can occur in adulthood, this is not definitive evidence to rule out pathogenicity. The Isoleucine at position 203 is conserved in mammals and evolutionarily distant species, raising the possibility that a change at this position may not be tolerated. Computational prediction tools suggest that this variant may impact the protein, though this information is not predictive enough to determine pathogenicity. In summary, the clinical significance of this variant is uncertain.

Literature cited by the submitters: PubMed 32528171 (cited by Labcorp Genetics (formerly Invitae), Labcorp).